The following is an entry in ClinVar:

ClinVar aggregate classification (germline): Uncertain significance. Review status: criteria provided, multiple submitters, no conflicts (2 of 4 stars). 2 submissions from 2 submitters: Uncertain significance (2). Last evaluated 2023-05-08.

Conditions:
Mitochondrial short-chain Enoyl-Coa hydratase 1 deficiency. Also called: Mitochondrial Short-Chain Enoyl-CoA Hydratase Deficiency; ECHS1 deficiency; PxMD-ECHS1. Identifiers: Orphanet 255241, Orphanet 653880, MedGen C4225391, MONDO:0014563, OMIM 616277.

Allele frequency attached by ClinVar (database versions not stated): ExAC 0.00001; gnomAD 0.00001; gnomAD exomes 0.00002.
gnomAD v4.1: 26 of 1,613,920 alleles (0.0016%); highest among the groups gnomAD compares: Middle Eastern, 0.016%; no homozygotes.

Submissions (2):

Genomic Medicine Center of Excellence, King Faisal Specialist Hospital and Research Centre
Classification: Uncertain significance for Mitochondrial short-chain Enoyl-Coa hydratase 1 deficiency. Last evaluated: 2023-05-08. Review status: criteria provided, single submitter. Criteria: ACMG Guidelines, 2015. Collection method: research. Allele origin: germline. Affected: yes.

Labcorp Genetics (formerly Invitae), Labcorp
Classification: Uncertain significance. Last evaluated: 2021-08-26. Review status: criteria provided, single submitter. Criteria: Invitae Variant Classification Sherloc (09022015). Collection method: clinical testing. Allele origin: germline.
Comment: This sequence change replaces arginine with tryptophan at codon 272 of the ECHS1 protein (p.Arg272Trp). The arginine residue is highly conserved and there is a moderate physicochemical difference between arginine and tryptophan. The frequency data for this variant in the population databases is considered unreliable, as metrics indicate poor data quality at this position in the ExAC database. This variant has not been reported in the literature in individuals affected with ECHS1-related conditions. Advanced modeling of protein sequence and biophysical properties (such as structural, functional, and spatial information, amino acid conservation, physicochemical variation, residue mobility, and thermodynamic stability) performed at Invitae indicates that this missense variant is expected to disrupt ECHS1 protein function. In summary, the available evidence is currently insufficient to determine the role of this variant in disease. Therefore, it has been classified as a Variant of Uncertain Significance.

NM_004092.4(ECHS1):c.814C>T (p.Arg272Trp)

Gene: ECHS1 (enoyl-CoA hydratase, short chain 1; minus strand). Cytogenetic location: 10q26.3.
Variant type: single nucleotide variant.
Coding change: c.814C>T on transcript NM_004092.4 (MANE Select); coding-DNA position 814, C replaced by T.
Protein change: p.Arg272Trp; replaces arginine 272 with tryptophan.
Molecular consequence: missense variant.
Genome position (GRCh38, 1-based): chr10:133,362,927, G>A on the plus strand (C>T on the coding strand, the complement: ECHS1 is on the minus strand). VCF-style: chr10-133362927-G-A. GRCh37 (hg19) VCF-style: chr10-135176431-G-A.
Other names: short protein forms R272W.
Identifiers: ClinVar variation 1362959 (VCV001362959.5), dbSNP rs772585791, ClinGen allele CA5765626.
Genomic context (GRCh38, chr10:133,362,927, plus strand): 5'-CTCACTGGTCTTTGAAGTTGGCCTTTCTCTTTTCCACAAACGCGGTCATCCCTTCTTTCC[G>A]GTCATCCTGGCAGGAAAAGGAACAGAAACAGAGCTGGACGCGCAGTATCCTCACAGAGCC-3'
Protein context (NP_004083.3, residues 262-282): LFYSTFATDD[Arg272Trp]KEGMTAFVEK